The following is an entry in ClinVar:

ClinVar aggregate classification (germline): Uncertain significance (1 of 4 stars; one submission).

Submission:

Labcorp Genetics (formerly Invitae), Labcorp
Classification: Uncertain significance. Last evaluated: 2021-11-05. Review status: criteria provided, single submitter. Criteria: Invitae Variant Classification Sherloc (09022015). Collection method: clinical testing. Allele origin: germline.
Comment: This sequence change replaces threonine, which is neutral and polar, with serine, which is neutral and polar, at codon 2436 of the HSPG2 protein (p.Thr2436Ser). This variant is not present in population databases (gnomAD no frequency). This variant has not been reported in the literature in individuals affected with HSPG2-related conditions. Algorithms developed to predict the effect of missense changes on protein structure and function (SIFT, PolyPhen-2, Align-GVGD) all suggest that this variant is likely to be tolerated. In summary, the available evidence is currently insufficient to determine the role of this variant in disease. Therefore, it has been classified as a Variant of Uncertain Significance.

NM_005529.7(HSPG2):c.7307C>G (p.Thr2436Ser)

Gene: HSPG2 (heparan sulfate proteoglycan 2; minus strand). Cytogenetic location: 1p36.12.
Variant type: single nucleotide variant.
Coding change: c.7307C>G on transcript NM_005529.7 (MANE Select); coding-DNA position 7307, C replaced by G.
Protein change: p.Thr2436Ser; replaces threonine 2436 with serine.
Molecular consequence: missense variant.
Genome position (GRCh38, 1-based): chr1:21,850,180, G>C on the plus strand (C>G on the coding strand, the complement: HSPG2 is on the minus strand). VCF-style: chr1-21850180-G-C. GRCh37 (hg19) VCF-style: chr1-22176673-G-C.
Other names: c.7310C>G, p.Thr2437Ser (NM_001291860.2); short protein forms T2436S, T2437S.
Identifiers: ClinVar variation 1492048 (VCV001492048.6), dbSNP rs747403733, ClinGen allele CA338925178.